The following is an entry in ClinVar:

ClinVar aggregate classification (germline): Uncertain significance. Review status: criteria provided, multiple submitters, no conflicts (2 of 4 stars). 2 submissions from 2 submitters: Uncertain significance (2). Last evaluated 2022-07-01.

Submissions (2):

CeGaT Center for Human Genetics Tuebingen
Classification: Uncertain significance. Last evaluated: 2022-07-01. Review status: criteria provided, single submitter. Criteria: CeGaT Center For Human Genetics Tuebingen Variant Classification Criteria Version 2. Collection method: clinical testing. Allele origin: germline. Affected: yes. Observed: 1 variant allele.
Comment: CAPN3: PM2, BP4

Eurofins Ntd Llc (ga)
Classification: Uncertain significance. Last evaluated: 2017-06-13. Review status: criteria provided, single submitter. Criteria: EGL Classification Definitions 2015. Collection method: clinical testing. Allele origin: germline. Observed: 1 variant allele, 1 heterozygote.

NM_000070.3(CAPN3):c.1795A>G (p.Thr599Ala)

Gene: CAPN3 (calpain 3; plus strand). Cytogenetic location: 15q15.1.
Variant type: single nucleotide variant.
Coding change: c.1795A>G on transcript NM_000070.3 (MANE Select); coding-DNA position 1795, A replaced by G.
Protein change: p.Thr599Ala; replaces threonine 599 with alanine.
Molecular consequence: missense variant. On other transcripts: 5 prime UTR variant (1), intron variant (3).
Genome position (GRCh38, 1-based): chr15:42,405,938, A>G. VCF-style: chr15-42405938-A-G. GRCh37 (hg19) VCF-style: chr15-42698136-A-G.
Other names: c.259A>G, p.Thr87Ala (NM_173088.2); c.-87A>G (NM_173090.2); c.1782+2161A>G (NM_024344.2); c.1638+2161A>G (NM_173087.2); c.-82+983A>G (NM_173089.2); short protein forms T599A, T87A.
Identifiers: ClinVar variation 502547 (VCV000502547.29), dbSNP rs1555422576, ClinGen allele CA392000638.